The following is an entry in ClinVar:

ClinVar aggregate classification (germline): Uncertain significance. Review status: criteria provided, multiple submitters, no conflicts (2 of 4 stars). 3 submissions from 3 submitters: Uncertain significance (3). Last evaluated 2025-07-16.

Conditions:
Ectodermal dysplasia 10A, hypohidrotic/hair/nail type, autosomal dominant (ECTD10A). Also called: Ectodermal Dysplasia 3, Anhidrotic. Identifiers: Orphanet 1810, Orphanet 238468, MedGen C3888065, MONDO:0007509, OMIM 129490.
Autosomal recessive hypohidrotic ectodermal dysplasia syndrome. Also called: Autosomal recessive hypohidrotic ectodermal dysplasia. Identifiers: Orphanet 248, MedGen C0406702, MONDO:0016619.
Inborn genetic diseases. Identifiers: MedGen C0950123, MeSH D030342.
Hypohidrotic ectodermal dysplasia (HED). Identifiers: Orphanet 238468, MedGen C5848103, MONDO:0016535, HP:0007607.

Allele frequency attached by ClinVar (database versions not stated): TOPMed 0.00004; gnomAD 0.00003; ExAC 0.00004; gnomAD exomes 0.00005; ESP Exome Variant Server 0.00008.
gnomAD v4.1: 111 of 1,613,886 alleles (0.0069%); highest among the groups gnomAD compares: Non-Finnish European, 0.0081%; no homozygotes.

Submissions (3):

Ambry Genetics
Classification: Uncertain significance for Inborn genetic diseases. Last evaluated: 2025-07-16. Review status: criteria provided, single submitter. Criteria: Ambry Variant Classification Scheme 2023. Collection method: clinical testing. Allele origin: germline.

Labcorp Genetics (formerly Invitae), Labcorp
Classification: Uncertain significance for Ectodermal dysplasia 10A, hypohidrotic/hair/nail type, autosomal dominant; Autosomal recessive hypohidrotic ectodermal dysplasia syndrome. Last evaluated: 2025-07-08. Review status: criteria provided, single submitter. Criteria: Invitae Variant Classification Sherloc (09022015). Collection method: clinical testing. Allele origin: germline.
Comment: This sequence change replaces proline, which is neutral and non-polar, with leucine, which is neutral and non-polar, at codon 225 of the EDAR protein (p.Pro225Leu). This variant is present in population databases (rs376622302, gnomAD 0.007%). This variant has not been reported in the literature in individuals affected with EDAR-related conditions. ClinVar contains an entry for this variant (Variation ID: 330708). Invitae Evidence Modeling of protein sequence and biophysical properties (such as structural, functional, and spatial information, amino acid conservation, physicochemical variation, residue mobility, and thermodynamic stability) indicates that this missense variant is not expected to disrupt EDAR protein function with a negative predictive value of 80%. In summary, the available evidence is currently insufficient to determine the role of this variant in disease. Therefore, it has been classified as a Variant of Uncertain Significance.

Illumina Laboratory Services, Illumina
Classification: Uncertain significance for Hypohidrotic ectodermal dysplasia. Last evaluated: 2018-01-12. Review status: criteria provided, single submitter. Criteria: ICSL Variant Classification Criteria 13 December 2019. Collection method: clinical testing. Allele origin: germline.

NM_022336.4(EDAR):c.674C>T (p.Pro225Leu)

Genes: EDAR (ectodysplasin A receptor; minus strand), RANBP2 (RAN binding protein 2; plus strand). Cytogenetic location: 2q13.
Variant type: single nucleotide variant.
Coding change: c.674C>T on transcript NM_022336.4 (MANE Select); coding-DNA position 674, C replaced by T.
Protein change: p.Pro225Leu; replaces proline 225 with leucine.
Molecular consequence: missense variant.
Genome position (GRCh38, 1-based): chr2:108,910,832, G>A on the plus strand (C>T on the coding strand, the complement: EDAR is on the minus strand). VCF-style: chr2-108910832-G-A. GRCh37 (hg19) VCF-style: chr2-109527288-G-A.
Other names: short protein forms P225L.
Identifiers: ClinVar variation 330708 (VCV000330708.18), dbSNP rs376622302, ClinGen allele CA1824979.